The following is an entry in ClinVar:

ClinVar aggregate classification (germline): Likely benign. Review status: criteria provided, multiple submitters, no conflicts (2 of 4 stars). 2 submissions from 2 submitters: Likely benign (2). Last evaluated 2018-06-20.

Allele frequency attached by ClinVar (database versions not stated): TOPMed 0.04545; gnomAD exomes 0.04835; 1000 Genomes Project 0.04852; gnomAD 0.04045 and 0.04235; 1000 Genomes Project 30x 0.04685.
gnomAD v4.1: 14,547 of 320,516 alleles (4.5%); highest among the groups gnomAD compares: Admixed American, 7.9%; 445 homozygotes.

Submissions (2):

GeneDx
Classification: Likely benign. Last evaluated: 2018-06-20. Review status: criteria provided, single submitter. Criteria: GeneDx Variant Classification (06012015). Collection method: clinical testing. Allele origin: germline. Affected: yes.
Comment: This variant is considered likely benign or benign based on one or more of the following criteria: it is a conservative change, it occurs at a poorly conserved position in the protein, it is predicted to be benign by multiple in silico algorithms, and/or has population frequency not consistent with disease.

Breakthrough Genomics
Classification: Likely benign. Review status: criteria provided, single submitter. Criteria: ACMG Guidelines, 2015. Collection method: not provided. Allele origin: germline. Inheritance: Unknown mechanism. Affected: yes.

NM_014845.5(FIG4):c.-365A>G

Genes: AK9 (adenylate kinase 9; minus strand), FIG4 (FIG4 phosphoinositide 5-phosphatase; plus strand), LOC129996970 (ATAC-STARR-seq lymphoblastoid active region 24931; plus strand). Cytogenetic location: 6q21.
Variant type: single nucleotide variant.
Coding change: c.-365A>G on transcript NM_014845.5; 365 bases upstream of the start codon, A replaced by G.
Molecular consequence: intron variant (on NM_001145128.3). On other transcripts: 5 prime UTR variant (2), non-coding transcript variant (1).
Genome position (GRCh38, 1-based): chr6:109,691,071, A>G. VCF-style: chr6-109691071-A-G. GRCh37 (hg19) VCF-style: chr6-110012274-A-G.
Other names: c.-611T>C (NM_001329602.2); c.-612T>C (NM_001329603.2); c.-12+76T>C (NM_001145128.3, NM_145025.5).
Identifiers: ClinVar variation 668144 (VCV000668144.4), dbSNP rs4947012, ClinGen allele CA12375540.
Genomic context (GRCh38, chr6:109,691,071, plus strand): 5'-GCAACTCGGAGAACCCTTTTCAAAAGAAGCTACCCAATCCCAAACCTTCCGCTTTTTTCC[A>G]AAGAGAGGGAGGAGATAAATAGACTCAATTAATCCGTCGACTTTTTCTCCGCCCATGTTT-3'